The following is an entry in ClinVar:

ClinVar aggregate classification (germline): Pathogenic. Review status: reviewed by expert panel (3 of 4 stars). 52 submissions from 50 submitters: Pathogenic (1). 51 of the submissions do not count toward it. Last evaluated 2017-04-03.

Conditions:
Autosomal dominant PTPN11-related disorders.
Noonan syndrome and Noonan-related syndrome. Identifiers: Orphanet 98733, MedGen C5681679, MONDO:0020297.
PTPN11-related disorder. Also called: PTPN11-Related Disorders.
Cardiovascular phenotype. Identifiers: MedGen CN230736.
Noonan syndrome 1 (NS1). Also called: TURNER PHENOTYPE WITH NORMAL KARYOTYPE; PTPN11-Related Noonan Syndrome; FEMALE PSEUDO-TURNER SYNDROME. Identifiers: Orphanet 648, MedGen C4551602, MONDO:0008104, OMIM 163950. Disease mechanism: gain of function.
LEOPARD syndrome 1 (LPRD1). Also called: LENTIGINOSIS, CARDIOMYOPATHIC; MULTIPLE LENTIGINES SYNDROME; PTPN11-Related LEOPARD Syndrome. Identifiers: Orphanet 500, MedGen C4551484, MONDO:0100082, OMIM 151100.
Metachondromatosis (METCDS). Identifiers: Orphanet 2499, MedGen C0410530, MONDO:0007979, OMIM 156250.
Juvenile myelomonocytic leukemia (JMML). Also called: LEUKEMIA, JUVENILE MYELOMONOCYTIC, SOMATIC. Identifiers: Orphanet 86834, MedGen C0349639, MONDO:0011908, OMIM 607785, HP:0012209.
RASopathy. Also called: rasopathies; Noonan spectrum disorder. Identifiers: Orphanet 536391, MedGen C5555857, MONDO:0021060.
Noonan syndrome (NS). Also called: Noonan's syndrome. Identifiers: Orphanet 648, MedGen C0028326, MeSH D009634, MONDO:0018997. Disease mechanism: gain of function.
Noonan syndrome with multiple lentigines. Identifiers: Orphanet 500, MedGen C0175704, MONDO:0007893.
Hypertrophic cardiomyopathy. Also called: HYPERTROPHIC MYOCARDIOPATHY. Identifiers: Orphanet 217569, MedGen C0007194, MeSH D002312, MONDO:0005045, HP:0001639.

Allele frequency attached by ClinVar (database versions not stated): ExAC 0.00001; gnomAD 0.00001; gnomAD exomes 0.00001 and below 0.00001; TOPMed 0.00002.
gnomAD v4.1: 8 of 1,612,796 alleles (0.0005%); highest among the groups gnomAD compares: Non-Finnish European, 0.00059%; no homozygotes.

Submissions 1 to 4 of 52:

ClinGen RASopathy Variant Curation Expert Panel
Classification: Pathogenic for Noonan syndrome with multiple lentigines. Last evaluated: 2017-04-03. Review status: reviewed by expert panel. Criteria: ClinGen RASopathy ACMG Specifications v1. Collection method: curation. Allele origin: germline. Inheritance: Autosomal dominant inheritance.
Comment: The c.1403C>T (p.Thr468Met) variant in PTPN11 has been reported in the literature in at least 2 unconfirmed de novo occurrences as well as more than 5 other independent occurances of patients with clinical features of a RASopathy (PM6_Strong, PS4; PMID 25884655, 19864201, PMIDs: 20883402, 15520399, 17935252, 24767283, 12058348, 15520399). The c.1403C>T (p.Thr468Met) variant in PTPN11 has been reported in the literature to segregate with clinical features of a RASopathy in at least 7 family members (PP1_Strong; 24767283, 17935252, 15520399, 20883402). In vitro functional studies provide some evidence that the p.Thr468Met variant may impact protein function (PS3; PMID: 24935154, 18372317, 16638574, 18849586). The variant is in a location that has been defined by the ClinGen RASopathy Expert Panel to be a mutational hotspot or domain of PTNP11 (PM1; PMID 29493581). The variant is located in the PTPN11 gene, which has been defined by the ClinGen RASopathy Expert Panel as a gene with a low rate of benign missense variants and pathogenic missense variants are common (PP2; PMID: 29493581). Computational prediction tools and conservation analysis suggest that the p.Thr468Met variant may impact the protein (PP3). In summary, this variant meets criteria to be classified as pathogenic for RASopathies in an autosomal dominant manner. Rasopathy-specific ACMG/AMP criteria applied (PMID:29493581): PM6_Strong, PS4, PP1_Strong, PS3, PM1, PP2, PP3.

Labcorp Genetics (formerly Invitae), Labcorp
Classification: Pathogenic for RASopathy. Last evaluated: 2026-01-24. Review status: criteria provided, single submitter. Criteria: Invitae Variant Classification Sherloc (09022015). Collection method: clinical testing. Allele origin: germline. Not counted in ClinVar's aggregate classification.
Comment: This sequence change replaces threonine, which is neutral and polar, with methionine, which is neutral and non-polar, at codon 468 of the PTPN11 protein (p.Thr468Met). This variant is present in population databases (rs121918457, gnomAD 0.004%). This missense change has been observed in individuals with LEOPARD syndrome and other Noonan spectrum disorders (PMID: 12058348, 21910245, 22555271, 22585553, 23813970, 24767283). ClinVar contains an entry for this variant (Variation ID: 13331). Invitae Evidence Modeling incorporating data from in vitro experimental studies (internal data) indicates that this missense variant is expected to disrupt PTPN11 function with a positive predictive value of 95%. Experimental studies have shown that this missense change affects PTPN11 function (PMID: 16377799, 16638574, 18372317, 20535210, 23457302, 24935154). For these reasons, this variant has been classified as Pathogenic.

3billion
Classification: Pathogenic for Noonan syndrome 1. Last evaluated: 2025-12-17. Review status: criteria provided, single submitter. Criteria: ACMG Guidelines, 2015. Collection method: clinical testing. Allele origin: germline. Affected: yes. Not counted in ClinVar's aggregate classification.
Comment: The variant is observed at an extremely low frequency in the gnomAD v4.1.0 dataset (total allele frequency: <0.001%). Predicted Consequence/Location: Missense variant. Missense changes are a common disease-causing mechanism. Functional studies provide strong evidence of the variant having a damaging effect on the gene or gene product (PMID: 16638574, 18372317, 18849586, 24935154). In silico tool predictions suggest damaging effect of the variant on gene or gene product [REVEL: 0.96 (>=0.6, sensitivity 0.68 and specificity 0.92); 3Cnet: 0.99 (> 0.75, sensitivity 0.96 and precision 0.92)]. The same nucleotide change resulting in the same amino acid change has been previously reported as pathogenic/likely pathogenic with strong evidence (ClinVar ID: VCV000013331 /PMID: 12058348 /3billion dataset). The variant has been observed in multiple (>3) similarly affected unrelated individuals (PMID: 12058348, 15520399, 17935252, 19864201, 20883402, 24767283, 25884655). The variant has been reported to co-segregate with the disease in at least 7 similarly affected relatives/individuals in at least two unrelated families (PMID: 15520399, 17935252, 20883402, 24767283). Different missense changes at the same codon (p.Thr468Glu, p.Thr468Pro) have been reported as pathogenic/likely pathogenic with strong evidence (ClinVar ID: VCV000040547, VCV000265663 /PMID: 17927788). Therefore, this variant is classified as Pathogenic according to the recommendation of ACMG/AMP guideline.

Variantyx, Inc.
Classification: Pathogenic for Autosomal dominant PTPN11-related disorders. Last evaluated: 2025-12-17. Review status: criteria provided, single submitter. Criteria: Variantyx Assertion Criteria 2022. Collection method: clinical testing. Allele origin: de novo. Inheritance: Autosomal dominant inheritance. Affected: yes. Not counted in ClinVar's aggregate classification.
Comment: This is a nonsynonymous variant in the PTPN11 gene (OMIM: 176876). Pathogenic variants in this gene have been associated with autosomal dominant PTPN11-related disorders, including Noonan syndrome and Noonan syndrome with multiple lentigines (NSML). This variant likely occurred de novo in individuals reported in the published literature as well as a previous internal case; however, the possibility of parental germline mosaicism cannot be excluded (PMID: 25884655) (PS2). It has been reported in many unrelated individuals affected with Noonan Syndrome/Leopard Syndrome (PMID: 12058348,¬†17935252, 20883402, 21365175) (PS4_Very_Strong) and has been observed to segregate with disease in at least 3 individuals from 2 families (PMID: 15520399, 20883402) (PP1). Functional studies have shown that this variant alters PTPN11 protein function (PMID: 16377799, 16638574, 18372317, 18849586) (PS3), and multiple computational algorithms predict a deleterious effect for this variant (REVEL score: 0.965) (PP3). Moreover, the alteration lies within a known hotspot for pathogenic variants or a well-established critical functional domain of the PTPN11 protein (PMID: 16377799, 18372317) (PM1). This variant has a 0.0006% maximum allele frequency in non-founder control populations (PM2). Other reputable laboratories have reported this variant as pathogenic or likely pathogenic, and the classification has been validated by an expert panel in ClinVar (PP5). Based on the current evidence, this variant is classified as pathogenic for autosomal dominant PTPN11-related disorders.Inheritance from an unaffected or mildly affected parent has been reported in the PTPN11 gene, consistent with incomplete penetrance and/or variable expressivity (PMID: 20301303).

NM_002834.5(PTPN11):c.1403C>T (p.Thr468Met)

Gene: PTPN11 (protein tyrosine phosphatase non-receptor type 11; plus strand). Cytogenetic location: 12q24.13.
Variant type: single nucleotide variant.
Coding change: c.1403C>T on transcript NM_002834.5 (MANE Select); coding-DNA position 1403, C replaced by T.
Protein change: p.Thr468Met; replaces threonine 468 with methionine.
Molecular consequence: missense variant.
Genome position (GRCh38, 1-based): chr12:112,488,466, C>T. VCF-style: chr12-112488466-C-T. GRCh37 (hg19) VCF-style: chr12-112926270-C-T.
Other names: p.T468M:ACG>ATG; NM_002834.4(PTPN11):c.1403C>T; c.1415C>T, p.Thr472Met (NM_001330437.2); c.1400C>T, p.Thr467Met (NM_001374625.1); short protein forms T468M, T472M, T467M.
Identifiers: ClinVar variation 13331 (VCV000013331.118), dbSNP rs121918457, ClinGen allele CA220134.
Genomic context (GRCh38, chr12:112,488,466, plus strand): 5'-ATTCTGTTGTCCCTGCTTTTTGTCCTTCTGCCCGCAGTGCTGGAATTGGCCGGACAGGGA[C>T]GTTCATTGTGATTGATATTCTTATTGACATCATCAGAGAGAAAGGTGGGTCATCTGGTGG-3'
Protein context (NP_002825.3, residues 458-478): HCSAGIGRTG[Thr468Met]FIVIDILIDI